The following is an entry in ClinVar:

ClinVar aggregate classification (germline): Uncertain significance (1 of 4 stars; one submission).

Submission:

GeneDx
Classification: Uncertain significance. Last evaluated: 2026-03-02. Review status: criteria provided, single submitter. Criteria: GeneDx Variant Classification Process June 2021. Collection method: clinical testing. Allele origin: germline.
Comment: Not observed at significant frequency in large population cohorts (gnomAD); Missense variants in this gene are a common cause of disease and they are underrepresented in the general population; In silico analysis supports that this missense variant has a deleterious effect on protein structure/function; Has not been previously published as pathogenic or benign to our knowledge

NM_006086.4(TUBB3):c.743C>G (p.Ala248Gly)

Gene: TUBB3 (tubulin beta 3 class III; plus strand). Cytogenetic location: 16q24.3.
Variant type: single nucleotide variant.
Coding change: c.743C>G on transcript NM_006086.4 (MANE Select); coding-DNA position 743, C replaced by G.
Protein change: p.Ala248Gly; replaces alanine 248 with glycine.
Molecular consequence: missense variant.
Genome position (GRCh38, 1-based): chr16:89,935,194, C>G. VCF-style: chr16-89935194-C-G. GRCh37 (hg19) VCF-style: chr16-90001602-C-G.
Other names: c.527C>G, p.Ala176Gly (NM_001197181.2); short protein forms A176G, A248G.
Identifiers: ClinVar variation 5009720 (VCV005009720.1).